The following is an entry in ClinVar:

ClinVar aggregate classification (germline): Likely pathogenic. Review status: criteria provided, multiple submitters, no conflicts (2 of 4 stars). 3 submissions from 3 submitters: Likely pathogenic (2). 1 of the submissions does not count toward it. Last evaluated 2025-12-09.

Conditions:
Autosomal recessive nonsyndromic hearing loss 4 (DFNB4). Also called: DEAFNESS, AUTOSOMAL RECESSIVE 4, WITH ENLARGED VESTIBULAR AQUEDUCT, DIGENIC; Deafness, autosomal recessive 4, with enlarged vestibular aqueduct; Enlarged vestibular aqueduct, digenic; Nonsyndromic enlarged vestibular aqueduct (NSEVA); NEUROSENSORY NONSYNDROMIC RECESSIVE DEAFNESS 4; FOXI1-Related Pendred Syndrome. Identifiers: Orphanet 90636, MedGen C3538946, MONDO:0010933, OMIM 600791.
Pendred syndrome (PDS). Also called: Pendred's syndrome; THYROID DYSHORMONOGENESIS 2B; THYROID HORMONOGENESIS, GENETIC DEFECT IN, 2B; Pendred Syndrome (PDS); DEAFNESS WITH GOITER; GOITER-DEAFNESS SYNDROME. Identifiers: Orphanet 705, MedGen C0271829, MONDO:0010134, OMIM 274600.

Submissions (3):

Natera, Inc.
Classification: Likely pathogenic for Pendred syndrome. Last evaluated: 2025-12-09. Review status: criteria provided, single submitter. Criteria: Natera Variant Classification Schema (03/2026). Collection method: clinical testing. Allele origin: germline.
Comment: The c.2107C>G variant in SLC26A4 is a missense variant predicted to cause substitution of leucine to valine at amino acid 703. This variant is rare in the general population with a frequency below the threshold expected for the associated phenotype(s). This variant has been observed in one or more individuals affected with the associated recessive disease, as either homozygous or compound heterozygous with a second variant (PMID: 22796198, 26100058, 30896630). A different variant at the same position has been determined to be Pathogenic or Likely Pathogenic. Computational prediction algorithms indicate this variant is likely to affect gene or protein function. Given the available evidence, this variant is classified as Likely Pathogenic.

Labcorp Genetics (formerly Invitae), Labcorp
Classification: Likely pathogenic. Last evaluated: 2024-02-15. Review status: criteria provided, single submitter. Criteria: Invitae Variant Classification Sherloc (09022015). Collection method: clinical testing. Allele origin: germline.
Comment: This sequence change replaces leucine, which is neutral and non-polar, with valine, which is neutral and non-polar, at codon 703 of the SLC26A4 protein (p.Leu703Val). This variant is not present in population databases (gnomAD no frequency). This missense change has been observed in individual(s) with Pendred syndrome and/or SLC26A4-related conditions (PMID: 22796198, 26100058, 30693673, 30896630, 31581539). In at least one individual the data is consistent with being in trans (on the opposite chromosome) from a pathogenic variant. ClinVar contains an entry for this variant (Variation ID: 1297074). Advanced modeling of protein sequence and biophysical properties (such as structural, functional, and spatial information, amino acid conservation, physicochemical variation, residue mobility, and thermodynamic stability) has been performed at Invitae for this missense variant, however the output from this modeling did not meet the statistical confidence thresholds required to predict the impact of this variant on SLC26A4 protein function. This variant disrupts the p.Leu703 amino acid residue in SLC26A4. Other variant(s) that disrupt this residue have been observed in individuals with SLC26A4-related conditions (PMID: 31599023, 34801268), which suggests that this may be a clinically significant amino acid residue. In summary, the currently available evidence indicates that the variant is pathogenic, but additional data are needed to prove that conclusively. Therefore, this variant has been classified as Likely Pathogenic.

Deafness Molecular Diagnostic Center, Chinese PLA General Hospital
Classification: Pathogenic for Autosomal recessive nonsyndromic hearing loss 4. Review status: no assertion criteria provided. Collection method: case-control. Allele origin: paternal. Affected: yes. Not counted in ClinVar's aggregate classification.

Literature cited by the submitters: PubMed 22796198 (cited by Natera, Inc. and Labcorp Genetics (formerly Invitae), Labcorp); PubMed 26100058 (cited by Natera, Inc. and Labcorp Genetics (formerly Invitae), Labcorp); PubMed 30896630 (cited by Natera, Inc. and Labcorp Genetics (formerly Invitae), Labcorp); PubMed 30693673 (cited by Labcorp Genetics (formerly Invitae), Labcorp); PubMed 31581539 (cited by Labcorp Genetics (formerly Invitae), Labcorp); PubMed 31599023 (cited by Labcorp Genetics (formerly Invitae), Labcorp); PubMed 34801268 (cited by Labcorp Genetics (formerly Invitae), Labcorp).

NM_000441.2(SLC26A4):c.2107C>G (p.Leu703Val)

Genes: SLC26A4 (solute carrier family 26 member 4; plus strand), LOC123956210 (Sharpr-MPRA regulatory region 3291; plus strand). Cytogenetic location: 7q22.3.
Variant type: single nucleotide variant.
Coding change: c.2107C>G on transcript NM_000441.2 (MANE Select); coding-DNA position 2107, C replaced by G.
Protein change: p.Leu703Val; replaces leucine 703 with valine.
Molecular consequence: missense variant.
Genome position (GRCh38, 1-based): chr7:107,710,071, C>G. VCF-style: chr7-107710071-C-G. GRCh37 (hg19) VCF-style: chr7-107350516-C-G.
Other names: c.2107C>G (NM_000441.1); short protein forms L703V.
Identifiers: ClinVar variation 1297074 (VCV001297074.5), dbSNP rs2129319905, ClinGen allele CA368845496.
Genomic context (GRCh38, chr7:107,710,071, plus strand): 5'-CTTTTCCTAGGAACTAACAAAACATTGTGTCTTTCTTTTGAAGATTATGTGATAGAAAAG[C>G]TGGAGCAATGCGGGTTCTTTGACGACAACATTAGAAAGGACACATTCTTTTTGACGGTCC-3'
Protein context (NP_000432.1, residues 693-713): ASLQDYVIEK[Leu703Val]EQCGFFDDNI